The following is an entry in ClinVar:

ClinVar aggregate classification (germline): Likely pathogenic (1 of 4 stars; one submission).

Conditions:
Bifunctional peroxisomal enzyme deficiency (DBIF). Also called: DBP DEFICIENCY; PBFE DEFICIENCY; D-bifunctional protein deficiency. Identifiers: Orphanet 300, MedGen C0342870, MONDO:0009855, OMIM 261515. Disease mechanism: loss of function.

Submission:

Natera, Inc.
Classification: Likely pathogenic for Bifunctional peroxisomal enzyme deficiency. Last evaluated: 2025-03-17. Review status: criteria provided, single submitter. Criteria: Natera Variant Classification Schema (03/2026). Collection method: clinical testing. Allele origin: germline.
Comment: The c.1618del variant in HSD17B4 is a frameshift variant predicted to shift the reading frame beginning at codon 540 and leads to a stop codon 92 codons downstream. This variant is expected to result in nonsense mediated decay, truncation, or a dysfunctional protein product. This variant is rare in the general population with a frequency below the threshold expected for the associated phenotype(s). Given the available evidence, this variant is classified as Likely Pathogenic.

NM_000414.4(HSD17B4):c.1618del (p.Ser540fs)

Gene: HSD17B4 (hydroxysteroid 17-beta dehydrogenase 4; plus strand). Cytogenetic location: 5q23.1.
Variant type: Deletion.
Coding change: c.1618del on transcript NM_000414.4 (MANE Select); coding-DNA position 1618, one base deleted (T; older notation c.1618delT).
Protein change: p.Ser540fs; shifts the reading frame from serine 540.
Molecular consequence: frameshift variant. On other transcripts: non-coding transcript variant (2).
Genome position (GRCh38, 1-based): chr5:119,525,961, T deleted; the last of 4 consecutive T bases (chr5:119,525,958-119,525,961); deleting any one gives the same sequence. VCF-style (leftmost placement, unchanged base first): chr5-119525957-AT-A. GRCh37 (hg19) VCF-style: chr5-118861652-AT-A.
Other names: c.1198del, p.Ser400fs (NM_001292028.2); c.1609del, p.Ser537fs (NM_001374497.1); c.1546del, p.Ser516fs (NM_001374498.1, NM_001292027.2); c.1291del, p.Ser431fs (NM_001374499.1); c.1177del, p.Ser393fs (NM_001374500.1); c.1207del, p.Ser403fs (NM_001374501.1, NM_001374502.1, NM_001374503.1); c.1693del, p.Ser565fs (NM_001199291.3); c.1564del, p.Ser522fs (NM_001199292.2); short protein forms S393fs, S400fs, S403fs, S431fs, S516fs, S522fs, S537fs, S540fs.
Identifiers: ClinVar variation 4069536 (VCV004069536.2).